The following is an entry in ClinVar:

ClinVar aggregate classification (germline): Uncertain significance (1 of 4 stars; one submission).

Conditions:
Hereditary cancer-predisposing syndrome. Also called: Neoplastic Syndromes, Hereditary; Tumor predisposition; Hereditary neoplastic syndrome; Hereditary Cancer Syndrome. Identifiers: Orphanet 140162, MedGen C0027672, MeSH D009386, MONDO:0015356.

Submission:

Ambry Genetics
Classification: Uncertain significance for Hereditary cancer-predisposing syndrome. Last evaluated: 2024-02-01. Review status: criteria provided, single submitter. Criteria: Ambry Variant Classification Scheme 2023. Collection method: clinical testing. Allele origin: germline.
Comment: The p.I1187M variant (also known as c.3561T>G), located in coding exon 16 of the MET gene, results from a T to G substitution at nucleotide position 3561. The isoleucine at codon 1187 is replaced by methionine, an amino acid with highly similar properties. This amino acid position is conserved. In addition, this alteration is predicted to be deleterious by in silico analysis. Based on the available evidence, the clinical significance of this alteration remains unclear.

NM_000245.4(MET):c.3507T>G (p.Ile1169Met)

Gene: MET (MET proto-oncogene, receptor tyrosine kinase; plus strand). Cytogenetic location: 7q31.2.
Variant type: single nucleotide variant.
Coding change: c.3507T>G on transcript NM_000245.4 (MANE Select); coding-DNA position 3507, T replaced by G.
Protein change: p.Ile1169Met; replaces isoleucine 1169 with methionine.
Molecular consequence: missense variant.
Genome position (GRCh38, 1-based): chr7:116,778,942, T>G. VCF-style: chr7-116778942-T-G. GRCh37 (hg19) VCF-style: chr7-116418996-T-G.
Other names: c.3561T>G, p.Ile1187Met (NM_001127500.3); c.2217T>G, p.Ile739Met (NM_001324402.2); short protein forms I1169M, I1187M, I739M.
Identifiers: ClinVar variation 3232983 (VCV003232983.1), dbSNP rs200184140, ClinGen allele CA368990337.